The following is an entry in ClinVar:

NM_000384.3(APOB):c.11181T>C (p.Ala3727=)

Gene: APOB (apolipoprotein B; minus strand). Cytogenetic location: 2p24.1.
Variant type: single nucleotide variant.
Coding change: c.11181T>C on transcript NM_000384.3 (MANE Select); coding-DNA position 11181, T replaced by C.
Protein change: p.Ala3727=; no amino-acid change (alanine 3727 retained).
Molecular consequence: synonymous variant.
Genome position (GRCh38, 1-based): chr2:21,005,687, A>G on the plus strand (T>C on the coding strand, the complement: APOB is on the minus strand). VCF-style: chr2-21005687-A-G. GRCh37 (hg19) VCF-style: chr2-21228559-A-G.
Identifiers: ClinVar variation 627681 (VCV000627681.18), dbSNP rs145894110, ClinGen allele CA045678.

ClinVar aggregate classification (germline): Benign/Likely benign. Review status: criteria provided, multiple submitters, no conflicts (2 of 4 stars). 3 submissions from 3 submitters: Benign (1); Likely benign (2). Last evaluated 2025-09-16.

Conditions:
Hypercholesterolemia, autosomal dominant, type B (FHCL2). Also called: APOB-Related Familial Hypercholesterolemia, Autosomal Dominant; Hyperlipoproteinemia Type IIb; Familial Hypercholesterolemia Type B; APOLIPOPROTEIN B-100, FAMILIAL DEFECTIVE; APOLIPOPROTEIN B-100, FAMILIAL LIGAND-DEFECTIVE; Familial hypercholesterolemia 2. Identifiers: MedGen C1704417, MONDO:0007751, OMIM 144010.
Familial hypobetalipoproteinemia 1. Also called: APOB-Related Familial Hypobetalipoproteinemia; Hypobetalipoproteinemia, normotriglyceridemic; Acanthocytosis with hypobetalipoproteinemia. Identifiers: MedGen C4551990, MONDO:0014252, OMIM 615558.
Familial hypercholesterolemia. Also called: Familial hypercholesterolemias; Familial hypercholesterolaemia. Identifiers: MedGen C0020445, MONDO:0005439.
Cardiovascular phenotype. Identifiers: MedGen CN230736.

Allele frequency attached by ClinVar (database versions not stated): gnomAD exomes 0.00004 and 0.00012; ExAC 0.00017; gnomAD 0.00038 and 0.00040; TOPMed 0.00052; ESP Exome Variant Server 0.00062; 1000 Genomes Project 0.00120; 1000 Genomes Project 30x 0.00156.
gnomAD v4.1: 119 of 1,614,010 alleles (0.0074%); highest among the groups gnomAD compares: African/African-American, 0.15%; no homozygotes.

Submissions (3):

Labcorp Genetics (formerly Invitae), Labcorp
Classification: Benign for Familial hypobetalipoproteinemia 1; Hypercholesterolemia, autosomal dominant, type B. Last evaluated: 2025-09-16. Review status: criteria provided, single submitter. Criteria: Invitae Variant Classification Sherloc (09022015). Collection method: clinical testing. Allele origin: germline.

GENinCode PLC
Classification: Likely benign for Familial hypercholesterolemia. Last evaluated: 2025-01-09. Review status: criteria provided, single submitter. Criteria: ACMG Guidelines, 2015. Collection method: clinical testing. Allele origin: germline.
Comment: This is a synonymous (silent) variant that is not predicted to impact splicing and occurs at a nucleotide which is not highly conserved. This variant has been classified as Likely Benign (BP4, BP7).

Ambry Genetics
Classification: Likely benign for Cardiovascular phenotype. Last evaluated: 2020-04-06. Review status: criteria provided, single submitter. Criteria: Ambry Variant Classification Scheme 2023. Collection method: clinical testing. Allele origin: germline.